The following is an entry in ClinVar:

ClinVar aggregate classification (germline): Benign/Likely benign. Review status: criteria provided, multiple submitters, no conflicts (2 of 4 stars). 4 submissions from 3 submitters: Benign (2); Likely benign (1). 1 of the submissions does not count toward it. Last evaluated 2018-01-13.

Conditions:
Adult polyglucosan body disease (APBN). Also called: POLYGLUCOSAN BODY DISEASE, ADULT FORM; GBE1-Adult Polyglucosan Body Disease. Identifiers: Orphanet 206583, MedGen C1849722, MONDO:0009897, OMIM 263570.
Glycogen storage disease, type IV (GSD4). Also called: AMYLOPECTINOSIS; ANDERSEN DISEASE; BRANCHER DEFICIENCY; CIRRHOSIS, FAMILIAL, WITH DEPOSITION OF ABNORMAL GLYCOGEN; GBE1 DEFICIENCY; GLYCOGEN BRANCHING ENZYME DEFICIENCY. Identifiers: Orphanet 367, MedGen C0017923, MONDO:0009292, OMIM 232500.

Allele frequency attached by ClinVar (database versions not stated): gnomAD exomes 0.00048 and 0.42066; ESP Exome Variant Server 0.00386; TOPMed 0.00551; 1000 Genomes Project 0.00599; gnomAD 0.48974 and 0.49027.
gnomAD v4.1: 1,487 of 1,446,922 alleles (0.1%); highest among the groups gnomAD compares: African/African-American, 4%; 8 homozygotes.

Submissions (4):

Illumina Laboratory Services, Illumina
Classification: Benign for Glycogen storage disease, type IV. Last evaluated: 2018-01-13. Review status: criteria provided, single submitter. Criteria: ICSL Variant Classification Criteria 13 December 2019. Collection method: clinical testing. Allele origin: germline.
Comment: This variant was observed in the ICSL laboratory as part of a predisposition screen in an ostensibly healthy population. It had not been previously curated by ICSL or reported in the Human Gene Mutation Database (HGMD: prior to June 1st, 2018), and was therefore a candidate for classification through an automated scoring system. Utilizing variant allele frequency, disease prevalence and penetrance estimates, and inheritance mode, an automated score was calculated to assess if this variant is too frequent to cause the disease. Based on the score and internal cut-off values, a variant classified as benign is not then subjected to further curation. The score for this variant resulted in a classification of benign for this disease.

Illumina Laboratory Services, Illumina
Classification: Benign for Adult polyglucosan body disease. Last evaluated: 2018-01-13. Review status: criteria provided, single submitter. Criteria: ICSL Variant Classification Criteria 13 December 2019. Collection method: clinical testing. Allele origin: germline.
Comment: the same text as in the submission from Illumina Laboratory Services, Illumina above.

GeneDx
Classification: Likely benign. Last evaluated: 2016-02-22. Review status: criteria provided, single submitter. Criteria: GeneDx Variant Classification (06012015). Collection method: clinical testing. Allele origin: germline. Affected: yes.
Comment: This variant is considered likely benign or benign based on one or more of the following criteria: it is a conservative change, it occurs at a poorly conserved position in the protein, it is predicted to be benign by multiple in silico algorithms, and/or has population frequency not consistent with disease.

Mayo Clinic Laboratories, Mayo Clinic
Classification: Likely benign. Last evaluated: 2017-05-17. Review status: no assertion criteria provided. Collection method: clinical testing. Allele origin: unknown. Not counted in ClinVar's aggregate classification.

NM_000158.4(GBE1):c.-28G>T

Gene: GBE1 (1,4-alpha-glucan branching enzyme 1; minus strand). Cytogenetic location: 3p12.2.
Variant type: single nucleotide variant.
Coding change: c.-28G>T on transcript NM_000158.4 (MANE Select); 28 bases upstream of the start codon, G replaced by T.
Molecular consequence: 5 prime UTR variant.
Genome position (GRCh38, 1-based): chr3:81,761,545, C>A on the plus strand (G>T on the coding strand, the complement: GBE1 is on the minus strand). VCF-style: chr3-81761545-C-A. GRCh37 (hg19) VCF-style: chr3-81810696-C-A.
Identifiers: ClinVar variation 381416 (VCV000381416.9), dbSNP rs368460254, ClinGen allele CA2500128.